The following is an entry in ClinVar:

NM_005033.3(EXOSC9):c.664G>T (p.Val222Leu)

Gene: EXOSC9 (exosome component 9; plus strand). Cytogenetic location: 4q27.
Variant type: single nucleotide variant.
Coding change: c.664G>T on transcript NM_005033.3 (MANE Select); coding-DNA position 664, G replaced by T.
Protein change: p.Val222Leu; replaces valine 222 with leucine.
Molecular consequence: missense variant.
Genome position (GRCh38, 1-based): chr4:121,810,025, G>T. VCF-style: chr4-121810025-G-T. GRCh37 (hg19) VCF-style: chr4-122731180-G-T.
Other names: c.664G>T, p.Val222Leu (NM_001034194.2); short protein forms V222L.
Identifiers: ClinVar variation 1471415 (VCV001471415.5), dbSNP rs752667919, ClinGen allele CA3063489.

ClinVar aggregate classification (germline): Uncertain significance (1 of 4 stars; one submission).

Allele frequency attached by ClinVar (database versions not stated): ExAC 0.00001; gnomAD exomes 0.00001.

Submission:

Labcorp Genetics (formerly Invitae), Labcorp
Classification: Uncertain significance. Last evaluated: 2021-09-24. Review status: criteria provided, single submitter. Criteria: Invitae Variant Classification Sherloc (09022015). Collection method: clinical testing. Allele origin: germline.
Comment: This sequence change replaces valine with leucine at codon 222 of the EXOSC9 protein (p.Val222Leu). The valine residue is highly conserved and there is a small physicochemical difference between valine and leucine. This variant is present in population databases (rs752667919, ExAC 0.001%). This variant has not been reported in the literature in individuals with EXOSC9-related conditions. Algorithms developed to predict the effect of missense changes on protein structure and function (SIFT, PolyPhen-2, Align-GVGD) all suggest that this variant is likely to be tolerated, but these predictions have not been confirmed by published functional studies and their clinical significance is uncertain. In summary, the available evidence is currently insufficient to determine the role of this variant in disease. Therefore, it has been classified as a Variant of Uncertain Significance.